The following is an entry in ClinVar:

NM_053025.4(MYLK):c.1646T>C (p.Leu549Pro)

Gene: MYLK (myosin light chain kinase; minus strand). Cytogenetic location: 3q21.1.
Variant type: single nucleotide variant.
Coding change: c.1646T>C on transcript NM_053025.4 (MANE Select); coding-DNA position 1646, T replaced by C.
Protein change: p.Leu549Pro; replaces leucine 549 with proline.
Molecular consequence: missense variant.
Genome position (GRCh38, 1-based): chr3:123,725,949, A>G on the plus strand (T>C on the coding strand, the complement: MYLK is on the minus strand). VCF-style: chr3-123725949-A-G. GRCh37 (hg19) VCF-style: chr3-123444796-A-G.
Other names: c.1118T>C, p.Leu373Pro (NM_001321309.2); c.1439T>C, p.Leu480Pro (NM_053026.4, NM_053028.4); c.1646T>C, p.Leu549Pro (NM_053027.4); short protein forms L373P, L480P, L549P.
Identifiers: ClinVar variation 3401101 (VCV003401101.1).

ClinVar aggregate classification (germline): Uncertain significance (1 of 4 stars; one submission).

Conditions:
Familial thoracic aortic aneurysm and aortic dissection (TAAD). Also called: Thoracic aortic aneurysms and dissections. Identifiers: Orphanet 91387, MedGen C4707243, MONDO:0019625.

gnomAD v4.1: 1 of 1,613,844 alleles (0.000062%); highest among the groups gnomAD compares: Admixed American, 0.0017%; no homozygotes.

Submission:

Ambry Genetics
Classification: Uncertain significance for Familial thoracic aortic aneurysm and aortic dissection. Last evaluated: 2024-08-31. Review status: criteria provided, single submitter. Criteria: Ambry Variant Classification Scheme 2023. Collection method: clinical testing. Allele origin: germline.
Comment: The p.L549P variant (also known as c.1646T>C), located in coding exon 9 of the MYLK gene, results from a T to C substitution at nucleotide position 1646. The leucine at codon 549 is replaced by proline, an amino acid with similar properties. This amino acid position is conserved. In addition, this alteration is predicted to be deleterious by in silico analysis. Based on the available evidence, the clinical significance of this variant remains unclear.